The following is an entry in ClinVar:

ClinVar aggregate classification (germline): Likely benign (1 of 4 stars; one submission).

Submission:

CeGaT Center for Human Genetics Tuebingen
Classification: Likely benign. Last evaluated: 2024-10-01. Review status: criteria provided, single submitter. Criteria: CeGaT Center For Human Genetics Tuebingen Variant Classification Criteria Version 2. Collection method: clinical testing. Allele origin: germline. Affected: yes. Observed: 1 variant allele.
Comment: PRR21: BP4, BP7

NC_000002.12:g.240042812G>A

Gene: PRR21 (proline rich 21; minus strand). Cytogenetic location: 2q37.3.
Variant type: single nucleotide variant.
Genome position: GRCh38 VCF-style: chr2-240042812-G-A. GRCh37 (hg19) VCF-style: chr2-240982229-G-A.
Identifiers: ClinVar variation 3388097 (VCV003388097.14).
Genomic context (GRCh38, chr2:240,042,812, plus strand): 5'-GGACATGGGTGAAGAGCCGTGGGTGAAGGGACATGGGTGAAGAGCCGTGGATGAAGGGCC[G>A]TGGGTGAAGAGCCGTGGATGAAGGGCCATGGGTGAAGAGCCGTGGATGAAGGGCCATGGG-3'